The following is an entry in ClinVar:

ClinVar aggregate classification (germline): Uncertain significance. Review status: criteria provided, multiple submitters, no conflicts (2 of 4 stars). 4 submissions from 4 submitters: Uncertain significance (4). Last evaluated 2026-05-24.

Conditions:
FLNB-related disorder. Also called: FLNB-related condition; FLNB-related disorders. Identifiers: MedGen CN381095.

Allele frequency attached by ClinVar (database versions not stated): ExAC 0.00002; gnomAD exomes 0.00002 and 0.00004; gnomAD 0.00013 and 0.00014; 1000 Genomes Project 0.00020; 1000 Genomes Project 30x 0.00031; TOPMed 0.00031.
gnomAD v4.1: 74 of 1,614,156 alleles (0.0046%); highest among the groups gnomAD compares: Admixed American, 0.045%; no homozygotes.

Submissions (4):

PreventionGenetics, part of Exact Sciences
Classification: Uncertain significance for FLNB-related condition. Last evaluated: 2026-05-24. Review status: criteria provided, single submitter. Criteria: ACMG Guidelines, 2015. Collection method: clinical testing. Allele origin: germline.
Comment: The FLNB c.3967A>T variant is predicted to result in the amino acid substitution p.Thr1323Ser. To our knowledge, this variant has not been reported in the literature. This variant is reported in 0.0039% of alleles in individuals of European (Non-Finnish) descent in gnomAD. At this time, the clinical significance of this variant is uncertain due to the absence of conclusive functional and genetic evidence.

Labcorp Genetics (formerly Invitae), Labcorp
Classification: Uncertain significance. Last evaluated: 2025-12-29. Review status: criteria provided, single submitter. Criteria: Invitae Variant Classification Sherloc (09022015). Collection method: clinical testing. Allele origin: germline.
Comment: This sequence change replaces threonine, which is neutral and polar, with serine, which is neutral and polar, at codon 1323 of the FLNB protein (p.Thr1323Ser). This variant is present in population databases (rs202156074, gnomAD 0.004%). This variant has not been reported in the literature in individuals affected with FLNB-related conditions. ClinVar contains an entry for this variant (Variation ID: 593948). Invitae Evidence Modeling of protein sequence and biophysical properties (such as structural, functional, and spatial information, amino acid conservation, physicochemical variation, residue mobility, and thermodynamic stability) indicates that this missense variant is not expected to disrupt FLNB protein function with a negative predictive value of 95%. In summary, the available evidence is currently insufficient to determine the role of this variant in disease. Therefore, it has been classified as a Variant of Uncertain Significance.

GeneDx
Classification: Uncertain significance. Last evaluated: 2019-07-30. Review status: criteria provided, single submitter. Criteria: GeneDx Variant Classification Process June 2021. Collection method: clinical testing. Allele origin: germline. Affected: yes.
Comment: In silico analysis, which includes protein predictors and evolutionary conservation, supports that this variant does not alter protein structure/function; Has not been previously published as pathogenic or benign to our knowledge

Eurofins Ntd Llc (ga)
Classification: Uncertain significance. Last evaluated: 2017-09-26. Review status: criteria provided, single submitter. Criteria: EGL Classification Definitions 2015. Collection method: clinical testing. Allele origin: germline. Observed: 1 variant allele, 1 heterozygote.

NM_001457.4(FLNB):c.3967A>T (p.Thr1323Ser)

Gene: FLNB (filamin B; plus strand). Cytogenetic location: 3p14.3.
Variant type: single nucleotide variant.
Coding change: c.3967A>T on transcript NM_001457.4 (MANE Select); coding-DNA position 3967, A replaced by T.
Protein change: p.Thr1323Ser; replaces threonine 1323 with serine.
Molecular consequence: missense variant.
Genome position (GRCh38, 1-based): chr3:58,125,649, A>T. VCF-style: chr3-58125649-A-T. GRCh37 (hg19) VCF-style: chr3-58111376-A-T.
Other names: c.3967A>T, p.Thr1323Ser (NM_001164317.2, NM_001164318.2, NM_001164319.2); short protein forms T1323S.
Identifiers: ClinVar variation 593948 (VCV000593948.13), dbSNP rs202156074, ClinGen allele CA2468609.